The following is an entry in ClinVar:

ClinVar aggregate classification (germline): Uncertain significance (1 of 4 stars; one submission).

Conditions:
Arrhythmogenic right ventricular dysplasia 10. Also called: Arrhythmogenic Right Ventricular Dysplasia/Cardiomyopathy10; ARRHYTHMOGENIC RIGHT VENTRICULAR DYSPLASIA, FAMILIAL, 10; Arrhythmogenic right ventricular dysplasia/cardiomyopathy, type 10. Identifiers: MedGen C1857777, MONDO:0012434, OMIM 610193.

Submission:

Labcorp Genetics (formerly Invitae), Labcorp
Classification: Uncertain significance for Arrhythmogenic right ventricular dysplasia 10. Last evaluated: 2025-02-23. Review status: criteria provided, single submitter. Criteria: Invitae Variant Classification Sherloc (09022015). Collection method: clinical testing. Allele origin: germline.
Comment: This sequence change replaces aspartic acid, which is acidic and polar, with tyrosine, which is neutral and polar, at codon 154 of the DSG2 protein (p.Asp154Tyr). This variant is not present in population databases (gnomAD no frequency). This variant has not been reported in the literature in individuals affected with DSG2-related conditions. Invitae Evidence Modeling of protein sequence and biophysical properties (such as structural, functional, and spatial information, amino acid conservation, physicochemical variation, residue mobility, and thermodynamic stability) has been performed for this missense variant. However, the output from this modeling did not meet the statistical confidence thresholds required to predict the impact of this variant on DSG2 protein function. In summary, the available evidence is currently insufficient to determine the role of this variant in disease. Therefore, it has been classified as a Variant of Uncertain Significance.

NM_001943.5(DSG2):c.460G>T (p.Asp154Tyr)

Gene: DSG2 (desmoglein 2; plus strand). Cytogenetic location: 18q12.1.
Variant type: single nucleotide variant.
Coding change: c.460G>T on transcript NM_001943.5 (MANE Select); coding-DNA position 460, G replaced by T.
Protein change: p.Asp154Tyr; replaces aspartic acid 154 with tyrosine.
Molecular consequence: missense variant.
Genome position (GRCh38, 1-based): chr18:31,521,180, G>T. VCF-style: chr18-31521180-G-T. GRCh37 (hg19) VCF-style: chr18-29101143-G-T.
Other names: short protein forms D154Y.
Identifiers: ClinVar variation 4768492 (VCV004768492.1).